The following is an entry in ClinVar:

NM_000254.3(MTR):c.2101T>A (p.Tyr701Asn)

Gene: MTR (5-methyltetrahydrofolate-homocysteine methyltransferase; plus strand). Cytogenetic location: 1q43.
Variant type: single nucleotide variant.
Coding change: c.2101T>A on transcript NM_000254.3 (MANE Select); coding-DNA position 2101, T replaced by A.
Protein change: p.Tyr701Asn; replaces tyrosine 701 with asparagine.
Molecular consequence: missense variant. On other transcripts: intron variant (1).
Genome position (GRCh38, 1-based): chr1:236,861,182, T>A. VCF-style: chr1-236861182-T-A. GRCh37 (hg19) VCF-style: chr1-237024482-T-A.
Other names: c.880T>A, p.Tyr294Asn (NM_001291940.2); c.2101T>A, p.Tyr701Asn (NM_001410942.1); c.2044-1054T>A (NM_001291939.1); short protein forms Y294N, Y701N.
Identifiers: ClinVar variation 4703773 (VCV004703773.1).

ClinVar aggregate classification (germline): Uncertain significance (1 of 4 stars; one submission).

Conditions:
Methylcobalamin deficiency type cblG (HMAG). Also called: HOMOCYSTINURIA-MEGALOBLASTIC ANEMIA, cblG COMPLEMENTATION TYPE; Functional methionine synthase deficiency type cblG; HOMOCYSTINURIA-MEGALOBLASTIC ANEMIA, cblG TYPE; HOMOCYSTINURIA-MEGALOBLASTIC ANEMIA DUE TO DEFECT IN COBALAMIN METABOLISM, cblG COMPLEMENTATION TYPE. Identifiers: Orphanet 2170, Orphanet 622, MedGen C1855128, MONDO:0009609, OMIM 250940.

gnomAD v4.1: 17 of 1,601,814 alleles (0.0011%); highest among the groups gnomAD compares: African/African-American, 0.0028%; no homozygotes.

Submission:

Labcorp Genetics (formerly Invitae), Labcorp
Classification: Uncertain significance for Methylcobalamin deficiency type cblG. Last evaluated: 2025-09-23. Review status: criteria provided, single submitter. Criteria: Invitae Variant Classification Sherloc (09022015). Collection method: clinical testing. Allele origin: germline.
Comment: This sequence change replaces tyrosine, which is neutral and polar, with asparagine, which is neutral and polar, at codon 701 of the MTR protein (p.Tyr701Asn). This variant is present in population databases (rs770312323, gnomAD 0.007%). This variant has not been reported in the literature in individuals affected with MTR-related conditions. Invitae Evidence Modeling of protein sequence and biophysical properties (such as structural, functional, and spatial information, amino acid conservation, physicochemical variation, residue mobility, and thermodynamic stability) has been performed for this missense variant. However, the output from this modeling did not meet the statistical confidence thresholds required to predict the impact of this variant on MTR protein function. In summary, the available evidence is currently insufficient to determine the role of this variant in disease. Therefore, it has been classified as a Variant of Uncertain Significance.